The following is an entry in ClinVar:

NM_001291303.3(FAT4):c.6808G>A (p.Glu2270Lys)

Gene: FAT4 (FAT atypical cadherin 4; plus strand). Cytogenetic location: 4q28.1.
Variant type: single nucleotide variant.
Coding change: c.6808G>A on transcript NM_001291303.3 (MANE Select); coding-DNA position 6808, G replaced by A.
Protein change: p.Glu2270Lys; replaces glutamic acid 2270 with lysine.
Molecular consequence: missense variant.
Genome position (GRCh38, 1-based): chr4:125,415,771, G>A. VCF-style: chr4-125415771-G-A. GRCh37 (hg19) VCF-style: chr4-126336926-G-A.
Other names: c.6808G>A, p.Glu2270Lys (NM_001291285.3, NM_001438396.1, NM_001438397.1 and 1 more transcripts); c.1579G>A, p.Glu527Lys (NM_001437895.1); short protein forms E2270K, E527K.
Identifiers: ClinVar variation 5006730 (VCV005006730.2).

ClinVar aggregate classification (germline): Uncertain significance (1 of 4 stars; one submission).

Conditions:
Van Maldergem syndrome 2 (VMLDS2). Identifiers: Orphanet 314679, MedGen C3809875, MONDO:0014242, OMIM 615546.
Hennekam lymphangiectasia-lymphedema syndrome 2 (HKLLS2). Identifiers: Orphanet 2136, MedGen C4014939, MONDO:0014454, OMIM 616006.

Submission:

Juno Genomics, Hangzhou Juno Genomics, Inc
Classification: Uncertain significance for Van Maldergem syndrome 2; Hennekam lymphangiectasia-lymphedema syndrome 2. Review status: criteria provided, single submitter. Criteria: ACMG Guidelines, 2015. Collection method: clinical testing. Allele origin: germline.
Comment: Absent from controls (or at extremely low frequency if recessive) in Genome Aggregation Database.;Multiple lines of computational evidence support a deleterious effect on the gene or gene product.